The following is an entry in ClinVar:

ClinVar aggregate classification (germline): Uncertain significance (1 of 4 stars; one submission).

gnomAD v4.1: 3 of 1,610,974 alleles (0.00019%); highest among the groups gnomAD compares: South Asian, 0.0033%; no homozygotes.

Submission:

Labcorp Genetics (formerly Invitae), Labcorp
Classification: Uncertain significance. Last evaluated: 2024-06-12. Review status: criteria provided, single submitter. Criteria: Invitae Variant Classification Sherloc (09022015). Collection method: clinical testing. Allele origin: germline.
Comment: This sequence change replaces glycine, which is neutral and non-polar, with alanine, which is neutral and non-polar, at codon 517 of the COL9A2 protein (p.Gly517Ala). This variant is not present in population databases (gnomAD no frequency). This variant has not been reported in the literature in individuals affected with COL9A2-related conditions. An algorithm developed to predict the effect of missense changes on protein structure and function (PolyPhen-2) suggests that this variant is likely to be disruptive. In summary, the available evidence is currently insufficient to determine the role of this variant in disease. Therefore, it has been classified as a Variant of Uncertain Significance.

NM_001852.4(COL9A2):c.1550G>C (p.Gly517Ala)

Gene: COL9A2 (collagen type IX alpha 2 chain; minus strand). Cytogenetic location: 1p34.2.
Variant type: single nucleotide variant.
Coding change: c.1550G>C on transcript NM_001852.4 (MANE Select); coding-DNA position 1550, G replaced by C.
Protein change: p.Gly517Ala; replaces glycine 517 with alanine.
Molecular consequence: missense variant.
Genome position (GRCh38, 1-based): chr1:40,303,184, C>G on the plus strand (G>C on the coding strand, the complement: COL9A2 is on the minus strand). VCF-style: chr1-40303184-C-G. GRCh37 (hg19) VCF-style: chr1-40768856-C-G.
Other names: short protein forms G517A.
Identifiers: ClinVar variation 3708836 (VCV003708836.2).
Genomic context (GRCh38, chr1:40,303,184, plus strand): 5'-CCCTCACCTTGCAGCATCTTCAGCGCCACATCCACGATGTGCTGGTCAGTGGCATCCCGG[C>G]CCTGAAAGCAGAGGCCTTTCAGGAAGAAGCCCCTGGCTACAAGGGCCCACCGCTCCTATC-3'
Protein context (NP_001843.1, residues 507-527): PGQPGRQGVE[Gly517Ala]RDATDQHIVD